The following is an entry in ClinVar:

NM_004380.3(CREBBP):c.5696C>T (p.Thr1899Ile)

Gene: CREBBP (CREB binding lysine acetyltransferase; minus strand). Cytogenetic location: 16p13.3.
Variant type: single nucleotide variant.
Coding change: c.5696C>T on transcript NM_004380.3 (MANE Select); coding-DNA position 5696, C replaced by T.
Protein change: p.Thr1899Ile; replaces threonine 1899 with isoleucine.
Molecular consequence: missense variant.
Genome position (GRCh38, 1-based): chr16:3,729,351, G>A on the plus strand (C>T on the coding strand, the complement: CREBBP is on the minus strand). VCF-style: chr16-3729351-G-A. GRCh37 (hg19) VCF-style: chr16-3779352-G-A.
Other names: c.5582C>T, p.Thr1861Ile (NM_001079846.1); short protein forms T1861I, T1899I.
Identifiers: ClinVar variation 3361936 (VCV003361936.2).

ClinVar aggregate classification (germline): Uncertain significance (1 of 4 stars; one submission).

Submission:

GeneDx
Classification: Uncertain significance. Last evaluated: 2026-02-11. Review status: criteria provided, single submitter. Criteria: GeneDx Variant Classification Process June 2021. Collection method: clinical testing. Allele origin: germline.
Comment: Not observed at significant frequency in large population cohorts (gnomAD); In silico analysis supports that this missense variant has a deleterious effect on protein structure/function; Has not been previously published as pathogenic or benign to our knowledge